The following is an entry in ClinVar:

NM_001385012.1(NBEA):c.2152A>G (p.Asn718Asp)

Gene: NBEA (neurobeachin; plus strand). Cytogenetic location: 13q13.3.
Variant type: single nucleotide variant.
Coding change: c.2152A>G on transcript NM_001385012.1 (MANE Select); coding-DNA position 2152, A replaced by G.
Protein change: p.Asn718Asp; replaces asparagine 718 with aspartic acid.
Molecular consequence: missense variant.
Genome position (GRCh38, 1-based): chr13:35,118,383, A>G. VCF-style: chr13-35118383-A-G. GRCh37 (hg19) VCF-style: chr13-35692520-A-G.
Other names: c.2152A>G, p.Asn718Asp (NM_001379245.1, NM_015678.5); short protein forms N718D.
Identifiers: ClinVar variation 1704047 (VCV001704047.2), dbSNP rs2010628327, ClinGen allele CA387832287.

ClinVar aggregate classification (germline): Uncertain significance (1 of 4 stars; one submission).

Allele frequency attached by ClinVar (database versions not stated): TOPMed below 0.00001.

Submission:

GeneDx
Classification: Uncertain significance. Last evaluated: 2022-03-04. Review status: criteria provided, single submitter. Criteria: GeneDx Variant Classification Process June 2021. Collection method: clinical testing. Allele origin: germline. Affected: yes.
Comment: Not observed at significant frequency in large population cohorts (gnomAD); In silico analysis supports that this missense variant has a deleterious effect on protein structure/function; Has not been previously published as pathogenic or benign to our knowledge